The following is an entry in ClinVar:

ClinVar aggregate classification (germline): Conflicting classifications of pathogenicity. Review status: criteria provided, conflicting classifications (1 of 4 stars). 3 submissions from 3 submitters: Uncertain significance (1); Likely benign (2). Last evaluated 2026-02-18.

Allele frequency attached by ClinVar (database versions not stated): ExAC 0.00001; gnomAD 0.00001; gnomAD exomes 0.00002 and 0.00003; TOPMed 0.00003; ESP Exome Variant Server 0.00008.
gnomAD v4.1: 51 of 1,613,980 alleles (0.0032%); highest among the groups gnomAD compares: Non-Finnish European, 0.0039%; no homozygotes.

Submissions (3):

Women's Health and Genetics/Laboratory Corporation of America, LabCorp
Classification: Likely benign. Last evaluated: 2026-02-18. Review status: criteria provided, single submitter. Criteria: LabCorp Variant Classification Summary - May 2015. Collection method: clinical testing. Allele origin: germline.

CeGaT Center for Human Genetics Tuebingen
Classification: Likely benign. Last evaluated: 2022-04-01. Review status: criteria provided, single submitter. Criteria: CeGaT Center For Human Genetics Tuebingen Variant Classification Criteria Version 2. Collection method: clinical testing. Allele origin: germline. Affected: yes. Observed: 1 variant allele.
Comment: SYNE1: BP4

Eurofins Ntd Llc (ga)
Classification: Uncertain significance. Last evaluated: 2017-05-25. Review status: criteria provided, single submitter. Criteria: EGL Classification Definitions 2015. Collection method: clinical testing. Allele origin: germline. Observed: 1 variant allele, 1 heterozygote.

NM_182961.4(SYNE1):c.10444-6T>C

Gene: SYNE1 (spectrin repeat containing nuclear envelope protein 1; minus strand). Cytogenetic location: 6q25.2.
Variant type: single nucleotide variant.
Coding change: c.10444-6T>C on transcript NM_182961.4 (MANE Select); 6 bases into the intron before coding-DNA position 10444, T replaced by C.
Molecular consequence: intron variant.
Genome position (GRCh38, 1-based): chr6:152,358,543, A>G on the plus strand (T>C on the coding strand, the complement: SYNE1 is on the minus strand). VCF-style: chr6-152358543-A-G. GRCh37 (hg19) VCF-style: chr6-152679678-A-G.
Other names: c.10465-6T>C (NM_033071.5).
Identifiers: ClinVar variation 502234 (VCV000502234.30), dbSNP rs376803162, ClinGen allele CA4056948.